The following is an entry in ClinVar:

ClinVar aggregate classification (germline): Uncertain significance (1 of 4 stars; one submission).

Allele frequency attached by ClinVar (database versions not stated): gnomAD 0.00001; gnomAD exomes below 0.00001; TOPMed 0.00001.
gnomAD v4.1: 4 of 1,613,404 alleles (0.00025%); highest among the groups gnomAD compares: African/African-American, 0.0053%; no homozygotes.

Submission:

GeneDx
Classification: Uncertain significance. Last evaluated: 2025-08-04. Review status: criteria provided, single submitter. Criteria: GeneDx Variant Classification Process June 2021. Collection method: clinical testing. Allele origin: germline. Affected: yes.
Comment: Not observed at significant frequency in large population cohorts (gnomAD); In silico analysis suggests that this missense variant does not alter protein structure/function; Has not been previously published as pathogenic or benign to our knowledge

NM_005085.4(NUP214):c.1958A>G (p.Gln653Arg)

Gene: NUP214 (nucleoporin 214; plus strand). Cytogenetic location: 9q34.13.
Variant type: single nucleotide variant.
Coding change: c.1958A>G on transcript NM_005085.4 (MANE Select); coding-DNA position 1958, A replaced by G.
Protein change: p.Gln653Arg; replaces glutamine 653 with arginine.
Molecular consequence: missense variant.
Genome position (GRCh38, 1-based): chr9:131,147,502, A>G. VCF-style: chr9-131147502-A-G. GRCh37 (hg19) VCF-style: chr9-134022889-A-G.
Other names: c.1928A>G, p.Gln643Arg (NM_001318324.2); short protein forms Q643R, Q653R.
Identifiers: ClinVar variation 1320957 (VCV001320957.4), dbSNP rs1022724719, ClinGen allele CA200676725.
Genomic context (GRCh38, chr9:131,147,502, plus strand): 5'-TAAAGGTAATAAATGCCATCTATTTTAACTGACTTCTTTTTCAAGCAGGACGATCTGCTC[A>G]GGGCAGTTCAAGCCCAGTGCCCTCAATGGTACAGAAATCACCCAGGATAACCCCTCCAGC-3'
Protein context (NP_005076.3, residues 643-663): VLPSPSGRSA[Gln653Arg]GSSSPVPSMV